The following is an entry in ClinVar:

ClinVar aggregate classification (germline): Benign. Review status: criteria provided, multiple submitters, no conflicts (2 of 4 stars). 6 submissions from 6 submitters: Benign (6). Last evaluated 2026-02-01.

Conditions:
Imerslund-Grasbeck syndrome. Also called: Megaloblastic anemia due to inborn errors of metabolism; Imerslund-Gräsbeck syndrome; ENTEROCYTE COBALAMIN MALABSORPTION; ENTEROCYTE INTRINSIC FACTOR RECEPTOR, DEFECT OF; PERNICIOUS ANEMIA, JUVENILE, DUE TO SELECTIVE INTESTINAL MALABSORPTION OF VITAMIN B12, WITH PROTEINURIA. Identifiers: Orphanet 35858, MedGen C4551825, MONDO:0009853.
Imerslund-Grasbeck syndrome type 1 (IGS1). Also called: Megaloblastic anemia 1, Finnish type; MEGALOBLASTIC ANEMIA, 1; Imerslund-Gräsbeck syndrome 1. Identifiers: MedGen C4016819, MONDO:0100156, OMIM 261100.

Allele frequency attached by ClinVar (database versions not stated): 1000 Genomes Project 0.09365; gnomAD exomes 0.02593 and 0.01334; gnomAD 0.08587 and 0.09173; ESP Exome Variant Server 0.09565; ExAC 0.03052; TOPMed 0.09787; 1000 Genomes Project 30x 0.10087.
gnomAD v4.1: 33,141 of 1,613,638 alleles (2.1%); highest among the groups gnomAD compares: African/African-American, 28%; 3,284 homozygotes.

Submissions (11):

Labcorp Genetics (formerly Invitae), Labcorp
Classification: Benign for Imerslund-Grasbeck syndrome. Last evaluated: 2026-02-01. Review status: criteria provided, single submitter. Criteria: Invitae Variant Classification Sherloc (09022015). Collection method: clinical testing. Allele origin: germline.

ARUP Laboratories, Molecular Genetics and Genomics, ARUP Laboratories
Classification: Benign. Last evaluated: 2025-06-03. Review status: criteria provided, single submitter. Criteria: ARUP Molecular Germline Variant Investigation Process 2024. Collection method: clinical testing. Allele origin: germline.

Mayo Clinic Laboratories, Mayo Clinic
Classification: Benign. Last evaluated: 2023-04-03. Review status: criteria provided, single submitter. Criteria: ACMG Guidelines, 2015. Collection method: clinical testing. Allele origin: germline. Observed: 30 variant alleles.

GeneDx
Classification: Benign. Last evaluated: 2018-11-15. Review status: criteria provided, single submitter. Criteria: GeneDx Variant Classification Process June 2021. Collection method: clinical testing. Allele origin: germline. Affected: yes.

Illumina Laboratory Services, Illumina
Classification: Benign for Imerslund-Grasbeck syndrome type 1. Last evaluated: 2018-01-12. Review status: criteria provided, single submitter. Criteria: ICSL Variant Classification Criteria 13 December 2019. Collection method: clinical testing. Allele origin: germline.
Comment: This variant was observed in the ICSL laboratory as part of a predisposition screen in an ostensibly healthy population. It had not been previously curated by ICSL or reported in the Human Gene Mutation Database (HGMD: prior to June 1st, 2018), and was therefore a candidate for classification through an automated scoring system. Utilizing variant allele frequency, disease prevalence and penetrance estimates, and inheritance mode, an automated score was calculated to assess if this variant is too frequent to cause the disease. Based on the score and internal cut-off values, a variant classified as benign is not then subjected to further curation. The score for this variant resulted in a classification of benign for this disease.

Breakthrough Genomics
Classification: Benign. Review status: criteria provided, single submitter. Criteria: ACMG Guidelines, 2015. Collection method: not provided. Allele origin: germline. Inheritance: Autosomal recessive inheritance. Affected: yes.

Dr. Peter K. Rogan Lab, Western University
No classification provided (evidence only). Condition: Thyroid cancer, nonmedullary, 1. Review status: no classification provided. Collection method: in vitro. Allele origin: not applicable. Functional consequence: retained intron. Not counted in ClinVar's aggregate classification.

Dr. Peter K. Rogan Lab, Western University
No classification provided (evidence only). Condition: Thyroid cancer, nonmedullary, 1. Review status: no classification provided. Collection method: in vitro. Allele origin: not applicable. Functional consequence: retained intron. Not counted in ClinVar's aggregate classification.

Dr. Peter K. Rogan Lab, Western University
No classification provided (evidence only). Condition: Sarcoma. Review status: no classification provided. Collection method: in vitro. Allele origin: not applicable. Functional consequence: skipped exon, retained intron. Not counted in ClinVar's aggregate classification.

Dr. Peter K. Rogan Lab, Western University
No classification provided (evidence only). Condition: Sarcoma. Review status: no classification provided. Collection method: in vitro. Allele origin: not applicable. Functional consequence: retained intron. Not counted in ClinVar's aggregate classification.

Dr. Peter K. Rogan Lab, Western University
No classification provided (evidence only). Condition: Malignant tumor of esophagus. Review status: no classification provided. Collection method: in vitro. Allele origin: not applicable. Functional consequence: retained intron. Not counted in ClinVar's aggregate classification.

NM_001081.4(CUBN):c.3522C>T (p.Gly1174=)

Gene: CUBN (cubilin; minus strand). Cytogenetic location: 10p13.
Variant type: single nucleotide variant.
Coding change: c.3522C>T on transcript NM_001081.4 (MANE Select); coding-DNA position 3522, C replaced by T.
Protein change: p.Gly1174=; no amino-acid change (glycine 1174 retained).
Molecular consequence: synonymous variant.
Genome position (GRCh38, 1-based): chr10:17,045,157, G>A on the plus strand (C>T on the coding strand, the complement: CUBN is on the minus strand). VCF-style: chr10-17045157-G-A. GRCh37 (hg19) VCF-style: chr10-17087156-G-A.
Other names: p.Gly1174=.
Identifiers: ClinVar variation 299489 (VCV000299489.32), dbSNP rs1873469, ClinGen allele CA5424637.